The following is an entry in ClinVar:

ClinVar aggregate classification (germline): Uncertain significance (1 of 4 stars; one submission).

Conditions:
Desmin-related myofibrillar myopathy (MFM1). Also called: DESMIN-RELATED MYOPATHY WITH ARRHYTHMOGENIC RIGHT VENTRICULAR CARDIOMYOPATHY; MYOFIBRILLAR MYOPATHY WITH ARRHYTHMOGENIC RIGHT VENTRICULAR CARDIOMYOPATHY; Desminopathy; Desmin related myopathy (former name); Desmin storage myopathy (former name); Myofibrillar myopathy 1. Identifiers: Orphanet 363543, Orphanet 98909, MedGen C1832370, MONDO:0011076, OMIM 601419.

Submission:

Labcorp Genetics (formerly Invitae), Labcorp
Classification: Uncertain significance for Desmin-related myofibrillar myopathy. Last evaluated: 2023-09-10. Review status: criteria provided, single submitter. Criteria: Invitae Variant Classification Sherloc (09022015). Collection method: clinical testing. Allele origin: germline.
Comment: This variant has not been reported in the literature in individuals affected with DES-related conditions. This variant is not present in population databases (gnomAD no frequency). This sequence change replaces leucine, which is neutral and non-polar, with arginine, which is basic and polar, at codon 143 of the DES protein (p.Leu143Arg). ClinVar contains an entry for this variant (Variation ID: 1991980). In summary, the available evidence is currently insufficient to determine the role of this variant in disease. Therefore, it has been classified as a Variant of Uncertain Significance. Advanced modeling of protein sequence and biophysical properties (such as structural, functional, and spatial information, amino acid conservation, physicochemical variation, residue mobility, and thermodynamic stability) has been performed at Invitae for this missense variant, however the output from this modeling did not meet the statistical confidence thresholds required to predict the impact of this variant on DES protein function.

NM_001927.4(DES):c.428T>G (p.Leu143Arg)

Gene: DES (desmin; plus strand). Cytogenetic location: 2q35.
Variant type: single nucleotide variant.
Coding change: c.428T>G on transcript NM_001927.4 (MANE Select); coding-DNA position 428, T replaced by G.
Protein change: p.Leu143Arg; replaces leucine 143 with arginine.
Molecular consequence: missense variant.
Genome position (GRCh38, 1-based): chr2:219,418,890, T>G. VCF-style: chr2-219418890-T-G. GRCh37 (hg19) VCF-style: chr2-220283612-T-G.
Other names: c.428T>G, p.Leu143Arg (NM_001382708.1, NM_001382709.1, NM_001382710.1 and 3 more transcripts); short protein forms L143R.
Identifiers: ClinVar variation 1991980 (VCV001991980.4), dbSNP rs1419950518, ClinGen allele CA350686092.